The following is an entry in ClinVar:

ClinVar aggregate classification (germline): Uncertain significance (1 of 4 stars; one submission).

Conditions:
Immunodeficiency, common variable, 7. Identifiers: Orphanet 1572, Orphanet 696894, MedGen C3542922, MONDO:0013862, OMIM 614699.

Allele frequency attached by ClinVar (database versions not stated): gnomAD 0.00001; gnomAD exomes below 0.00001; TOPMed below 0.00001.
gnomAD v4.1: 4 of 1,613,804 alleles (0.00025%); highest among the groups gnomAD compares: African/African-American, 0.0027%; no homozygotes.

Submission:

Labcorp Genetics (formerly Invitae), Labcorp
Classification: Uncertain significance for Immunodeficiency, common variable, 7. Last evaluated: 2017-10-12. Review status: criteria provided, single submitter. Criteria: Invitae Variant Classification Sherloc (09022015). Collection method: clinical testing. Allele origin: germline.
Comment: In summary, the available evidence is currently insufficient to determine the role of this variant in disease. Therefore, it has been classified as a Variant of Uncertain Significance. Algorithms developed to predict the effect of missense changes on protein structure and function output the following: SIFT: "Tolerated"; PolyPhen-2: "Benign"; Align-GVGD: "Class C0". The tyrosine amino acid residue is found in multiple mammalian species, suggesting that this missense change does not adversely affect protein function. These predictions have not been confirmed by published functional studies and their clinical significance is uncertain. This variant has not been reported in the literature in individuals with CR2-related disease. This variant is not present in population databases (ExAC no frequency). This sequence change replaces histidine with tyrosine at codon 955 of the CR2 protein (p.His955Tyr). The histidine residue is moderately conserved and there is a moderate physicochemical difference between histidine and tyrosine.

NM_001006658.3(CR2):c.2863C>T (p.His955Tyr)

Gene: CR2 (complement C3d receptor 2; plus strand). Cytogenetic location: 1q32.2.
Variant type: single nucleotide variant.
Coding change: c.2863C>T on transcript NM_001006658.3 (MANE Select); coding-DNA position 2863, C replaced by T.
Protein change: p.His955Tyr; replaces histidine 955 with tyrosine.
Molecular consequence: missense variant.
Genome position (GRCh38, 1-based): chr1:207,476,380, C>T. VCF-style: chr1-207476380-C-T. GRCh37 (hg19) VCF-style: chr1-207649725-C-T.
Other names: c.2686C>T, p.His896Tyr (NM_001877.5); short protein forms H955Y, H896Y.
Identifiers: ClinVar variation 540309 (VCV000540309.8), dbSNP rs1329384177, ClinGen allele CA344540248.